The following is an entry in ClinVar:

ClinVar aggregate classification (germline): Uncertain significance. Review status: criteria provided, multiple submitters, no conflicts (2 of 4 stars). 4 submissions from 4 submitters: Uncertain significance (4). Last evaluated 2026-08-27.

Conditions:
Hereditary cancer-predisposing syndrome. Also called: Hereditary Cancer Syndrome; Hereditary neoplastic syndrome; Neoplastic Syndromes, Hereditary; Tumor predisposition. Identifiers: Orphanet 140162, MedGen C0027672, MeSH D009386, MONDO:0015356.
Lynch syndrome. Identifiers: Orphanet 144, MedGen C4552100, MONDO:0005835. Disease mechanism: loss of function.
Hereditary nonpolyposis colorectal neoplasms. Identifiers: MedGen C0009405, MeSH D003123.

gnomAD v4.1: 2 of 1,614,156 alleles (0.00012%); highest among the groups gnomAD compares: Non-Finnish European, 0.00017%; no homozygotes.

Submissions (4):

Ambry Genetics
Classification: Uncertain significance for Hereditary cancer-predisposing syndrome. Last evaluated: 2026-08-27. Review status: criteria provided, single submitter. Criteria: Ambry Variant Classification Scheme 2023. Collection method: clinical testing. Allele origin: germline.
Comment: The p.D763H variant (also known as c.2287G>C), located in coding exon 4 of the MSH6 gene, results from a G to C substitution at nucleotide position 2287. The aspartic acid at codon 763 is replaced by histidine, an amino acid with similar properties. This amino acid position is highly conserved in available vertebrate species. In addition, this alteration is predicted to be deleterious by in silico analysis. Based on the available evidence, the clinical significance of this variant remains unclear.

Color Diagnostics, LLC DBA Color Health
Classification: Uncertain significance for Hereditary cancer-predisposing syndrome. Last evaluated: 2024-08-19. Review status: criteria provided, single submitter. Criteria: ACMG Guidelines, 2015. Collection method: clinical testing. Allele origin: germline.
Comment: This missense variant replaces aspartic acid with histidine at codon 763 of the MSH6 protein. Computational prediction suggests that this variant may have deleterious impact on protein structure and function (internally defined REVEL score threshold >= 0.7, PMID: 27666373). To our knowledge, functional studies have not been reported for this variant. This variant has not been reported in individuals affected with MSH6-related disorders in the literature. This variant has not been identified in the general population by the Genome Aggregation Database (gnomAD). The available evidence is insufficient to determine the role of this variant in disease conclusively. Therefore, this variant is classified as a Variant of Uncertain Significance.

All of Us Research Program, National Institutes of Health
Classification: Uncertain significance for Lynch syndrome. Last evaluated: 2024-03-05. Review status: criteria provided, single submitter. Criteria: ACMG Guidelines, 2015. Collection method: clinical testing. Allele origin: germline. Inheritance: Autosomal dominant inheritance. Observed: 1 variant allele, 1 heterozygote.
Comment: This study involves interpretation of variants in research participants for the purpose of population health screening. Participant phenotype was not available at the time of variant classification. Additional details can be found in publication PMID: 35346344, PMCID: PMC8962531

Labcorp Genetics (formerly Invitae), Labcorp
Classification: Uncertain significance for Hereditary nonpolyposis colorectal neoplasms. Last evaluated: 2023-12-12. Review status: criteria provided, single submitter. Criteria: Invitae Variant Classification Sherloc (09022015). Collection method: clinical testing. Allele origin: germline.
Comment: This sequence change replaces aspartic acid, which is acidic and polar, with histidine, which is basic and polar, at codon 763 of the MSH6 protein (p.Asp763His). This variant is not present in population databases (gnomAD no frequency). This variant has not been reported in the literature in individuals affected with MSH6-related conditions. ClinVar contains an entry for this variant (Variation ID: 1789034). Advanced modeling of protein sequence and biophysical properties (such as structural, functional, and spatial information, amino acid conservation, physicochemical variation, residue mobility, and thermodynamic stability) has been performed at Invitae for this missense variant, however the output from this modeling did not meet the statistical confidence thresholds required to predict the impact of this variant on MSH6 protein function. In summary, the available evidence is currently insufficient to determine the role of this variant in disease. Therefore, it has been classified as a Variant of Uncertain Significance.

NM_000179.3(MSH6):c.2287G>C (p.Asp763His)

Gene: MSH6 (mutS homolog 6; plus strand). Cytogenetic location: 2p16.3.
Variant type: single nucleotide variant.
Coding change: c.2287G>C on transcript NM_000179.3 (MANE Select); coding-DNA position 2287, G replaced by C.
Protein change: p.Asp763His; replaces aspartic acid 763 with histidine.
Molecular consequence: missense variant.
Genome position (GRCh38, 1-based): chr2:47,800,270, G>C. VCF-style: chr2-47800270-G-C. GRCh37 (hg19) VCF-style: chr2-48027409-G-C.
Other names: c.1897G>C, p.Asp633His (NM_001281492.2); c.1381G>C, p.Asp461His (NM_001281493.2, NM_001281494.2, NM_001406823.1 and 6 more transcripts); c.2383G>C, p.Asp795His (NM_001406795.1, NM_001406802.1); c.2287G>C, p.Asp763His (NM_001406796.1, NM_001406798.1, NM_001406800.1 and 3 more transcripts); c.1990G>C, p.Asp664His (NM_001406797.1, NM_001406801.1, NM_001406805.1 and 10 more transcripts); c.1762G>C, p.Asp588His (NM_001406799.1, NM_001406806.1, NM_001406807.1); c.2209G>C, p.Asp737His (NM_001406804.1); c.2119G>C, p.Asp707His (NM_001406826.1); and 1 more; short protein forms D461H, D737H, D633H, D763H, D765H, D588H, D795H, D664H.
Identifiers: ClinVar variation 1789034 (VCV001789034.9), dbSNP rs1558664969, ClinGen allele CA346752927.
Genomic context (GRCh38, chr2:47,800,270, plus strand): 5'-TTGGAGATTTTTCTGAATGGAACAAATGGTTCTACTGAAGGAACCCTACTAGAGAGGGTT[G>C]ATACTTGCCATACTCCTTTTGGTAAGCGGCTCCTAAAGCAATGGCTTTGTGCCCCACTCT-3'
Protein context (NP_000170.1, residues 753-773): STEGTLLERV[Asp763His]TCHTPFGKRL